The following is an entry in ClinVar:

NM_001458.5(FLNC):c.5765C>T (p.Ala1922Val)

Genes: FLNC-AS1 (FLNC antisense RNA 1; minus strand), FLNC (filamin C; plus strand). Cytogenetic location: 7q32.1.
Variant type: single nucleotide variant.
Coding change: c.5765C>T on transcript NM_001458.5 (MANE Select); coding-DNA position 5765, C replaced by T.
Protein change: p.Ala1922Val; replaces alanine 1922 with valine.
Molecular consequence: missense variant.
Genome position (GRCh38, 1-based): chr7:128,851,551, C>T. VCF-style: chr7-128851551-C-T. GRCh37 (hg19) VCF-style: chr7-128491605-C-T.
Other names: c.5666C>T, p.Ala1889Val (NM_001127487.2); short protein forms A1922V, A1889V.
Identifiers: ClinVar variation 1421179 (VCV001421179.12), dbSNP rs377206490, ClinGen allele CA4475778.

ClinVar aggregate classification (germline): Conflicting classifications of pathogenicity. Review status: criteria provided, conflicting classifications (1 of 4 stars). 3 submissions from 3 submitters: Uncertain significance (2); Likely benign (1). Last evaluated 2025-08-03.

Conditions:
Cardiovascular phenotype. Identifiers: MedGen CN230736.
Myofibrillar myopathy 5. Also called: FILAMINOPATHY, AUTOSOMAL DOMINANT; Filaminopathy (type). Identifiers: Orphanet 171445, MedGen C1836050, MONDO:0012289, OMIM 609524.
Distal myopathy with posterior leg and anterior hand involvement. Also called: WILLIAMS DISTAL MYOPATHY. Identifiers: Orphanet 63273, MedGen C3279722, MONDO:0013550, OMIM 614065.
Hypertrophic cardiomyopathy 26. Also called: Cardiomyopathy, familial hypertrophic, 26. Identifiers: Orphanet 75249, MedGen C4310749, MONDO:0014883, OMIM 617047.
Cardiomyopathy (CMYO). Also called: Cardiomyopathies. Identifiers: Orphanet 167848, MedGen C0878544, MONDO:0004994, HP:0001638. Inheritance: Various modes of inheritance.

Allele frequency attached by ClinVar (database versions not stated): gnomAD 0.00001; gnomAD exomes 0.00001 and 0.00003; TOPMed 0.00002; ExAC 0.00005; ESP Exome Variant Server 0.00008.
gnomAD v4.1: 22 of 1,613,876 alleles (0.0014%); highest among the groups gnomAD compares: South Asian, 0.012%; no homozygotes.

Submissions (3):

Ambry Genetics
Classification: Uncertain significance for Cardiovascular phenotype. Last evaluated: 2025-08-03. Review status: criteria provided, single submitter. Criteria: Ambry Variant Classification Scheme 2023. Collection method: clinical testing. Allele origin: germline.
Comment: The p.A1922V variant (also known as c.5765C>T), located in coding exon 35 of the FLNC gene, results from a C to T substitution at nucleotide position 5765. The alanine at codon 1922 is replaced by valine, an amino acid with similar properties. This amino acid position is well conserved in available vertebrate species; however, valine is the reference amino acid in other vertebrate species. In addition, this alteration is predicted to be tolerated by in silico analysis. Since supporting evidence is limited at this time, the clinical significance of this alteration remains unclear.

Labcorp Genetics (formerly Invitae), Labcorp
Classification: Likely benign for Distal myopathy with posterior leg and anterior hand involvement; Myofibrillar myopathy 5; Hypertrophic cardiomyopathy 26. Last evaluated: 2025-06-11. Review status: criteria provided, single submitter. Criteria: Invitae Variant Classification Sherloc (09022015). Collection method: clinical testing. Allele origin: germline.

CHEO Genetics Diagnostic Laboratory, Children's Hospital of Eastern Ontario
Classification: Uncertain significance for Cardiomyopathy. Last evaluated: 2022-06-10. Review status: criteria provided, single submitter. Criteria: ACMG Guidelines, 2015. Collection method: clinical testing. Allele origin: germline.

Literature cited by the submitters: PubMed 28781516 (cited by Ambry Genetics).